The following is an entry in ClinVar:

ClinVar aggregate classification (germline): Uncertain significance (1 of 4 stars; one submission).

Conditions:
Landau-Kleffner syndrome (FESD). Also called: EPILEPSY, FOCAL, WITH SPEECH DISORDER AND WITH OR WITHOUT MENTAL RETARDATION; APHASIA, ACQUIRED, WITH EPILEPSY. Identifiers: Orphanet 1945, Orphanet 725, Orphanet 98818, MedGen C0282512, MONDO:0009509, OMIM 245570.

Submission:

Labcorp Genetics (formerly Invitae), Labcorp
Classification: Uncertain significance for Landau-Kleffner syndrome. Last evaluated: 2023-08-03. Review status: criteria provided, single submitter. Criteria: Invitae Variant Classification Sherloc (09022015). Collection method: clinical testing. Allele origin: germline.
Comment: In summary, the available evidence is currently insufficient to determine the role of this variant in disease. Therefore, it has been classified as a Variant of Uncertain Significance. Advanced modeling of protein sequence and biophysical properties (such as structural, functional, and spatial information, amino acid conservation, physicochemical variation, residue mobility, and thermodynamic stability) performed at Invitae indicates that this missense variant is not expected to disrupt GRIN2A protein function. This variant has not been reported in the literature in individuals affected with GRIN2A-related conditions. This variant is not present in population databases (gnomAD no frequency). This sequence change replaces phenylalanine, which is neutral and non-polar, with leucine, which is neutral and non-polar, at codon 1191 of the GRIN2A protein (p.Phe1191Leu).

NM_001134407.3(GRIN2A):c.3571T>C (p.Phe1191Leu)

Gene: GRIN2A (glutamate ionotropic receptor NMDA type subunit 2A; minus strand). Cytogenetic location: 16p13.2.
Variant type: single nucleotide variant.
Coding change: c.3571T>C on transcript NM_001134407.3 (MANE Select); coding-DNA position 3571, T replaced by C.
Protein change: p.Phe1191Leu; replaces phenylalanine 1191 with leucine.
Molecular consequence: missense variant.
Genome position (GRCh38, 1-based): chr16:9,763,973, A>G on the plus strand (T>C on the coding strand, the complement: GRIN2A is on the minus strand). VCF-style: chr16-9763973-A-G. GRCh37 (hg19) VCF-style: chr16-9857830-A-G.
Other names: c.3571T>C, p.Phe1191Leu (NM_000833.5, NM_001134408.2); short protein forms F1191L.
Identifiers: ClinVar variation 2790119 (VCV002790119.3), dbSNP rs562833714, ClinGen allele CA394707333.
Genomic context (GRCh38, chr16:9,763,973, plus strand): 5'-AGTTCTGCCGGTATCGCTCGCTGGTCTCACTGTGCGGGGAACCCTTGTCTTTCAAGGTGA[A>G]GTGCTTGGAGTAGAGTTTATACTGGTCGTTGTTGGAAAGCCCCTCTTCATTATGCAAGGG-3'
Protein context (NP_001127879.1, residues 1181-1201): NDQYKLYSKH[Phe1191Leu]TLKDKGSPHS